The following is an entry in ClinVar:

ClinVar aggregate classification (germline): Uncertain significance (1 of 4 stars; one submission).

Submission:

Ambry Genetics
Classification: Uncertain significance. Last evaluated: 2024-07-11. Review status: criteria provided, single submitter. Criteria: Ambry Variant Classification Scheme 2023. Collection method: clinical testing. Allele origin: germline.
Comment: The p.D557E variant (also known as c.1671C>G), located in coding exon 9 of the PALLD gene, results from a C to G substitution at nucleotide position 1671. The aspartic acid at codon 557 is replaced by glutamic acid, an amino acid with highly similar properties. This amino acid position is conserved. In addition, this alteration is predicted to be tolerated by in silico analysis. Based on the available evidence, the clinical significance of this variant remains unclear.

NM_001166108.2(PALLD):c.1671C>G (p.Asp557Glu)

Gene: PALLD (palladin, cytoskeletal associated protein; plus strand). Cytogenetic location: 4q32.3.
Variant type: single nucleotide variant.
Coding change: c.1671C>G on transcript NM_001166108.2 (MANE Select); coding-DNA position 1671, C replaced by G.
Protein change: p.Asp557Glu; replaces aspartic acid 557 with glutamic acid.
Molecular consequence: missense variant.
Genome position (GRCh38, 1-based): chr4:168,711,630, C>G. VCF-style: chr4-168711630-C-G. GRCh37 (hg19) VCF-style: chr4-169632781-C-G.
Other names: c.525C>G, p.Asp175Glu (NM_001166109.2); c.1671C>G, p.Asp557Glu (NM_016081.4); short protein forms D175E, D557E.
Identifiers: ClinVar variation 3413574 (VCV003413574.1).